The following is an entry in ClinVar:

NM_000719.7(CACNA1C):c.5612T>G (p.Leu1871Arg)

Genes: CACNA1C-AS1 (CACNA1C antisense RNA 1; minus strand), CACNA1C (calcium voltage-gated channel subunit alpha1 C; plus strand). Cytogenetic location: 12p13.33.
Variant type: single nucleotide variant.
Coding change: c.5612T>G on transcript NM_000719.7 (MANE Select); coding-DNA position 5612, T replaced by G.
Protein change: p.Leu1871Arg; replaces leucine 1871 with arginine.
Molecular consequence: missense variant.
Genome position (GRCh38, 1-based): chr12:2,685,774, T>G. VCF-style: chr12-2685774-T-G. GRCh37 (hg19) VCF-style: chr12-2794940-T-G.
Other names: c.5756T>G, p.Leu1919Arg (NM_001129827.2); c.5735T>G, p.Leu1912Arg (NM_001129829.2); c.5717T>G, p.Leu1906Arg (NM_001129830.3, NM_001167624.3); c.5696T>G, p.Leu1899Arg (NM_001129831.2); c.5672T>G, p.Leu1891Arg (NM_001129832.2); c.5669T>G, p.Leu1890Arg (NM_001129833.2, NM_001129834.2, NM_001129835.2); c.5663T>G, p.Leu1888Arg (NM_001129836.2); c.5636T>G, p.Leu1879Arg (NM_001129837.2, NM_001129838.2); and 6 more; short protein forms L1871R, L1912R, L1877R, L1891R, L1931R, L1868R, L1879R, L1890R.
Identifiers: ClinVar variation 1487354 (VCV001487354.6), dbSNP rs2153834664, ClinGen allele CA383381981.

ClinVar aggregate classification (germline): Uncertain significance (1 of 4 stars; one submission).

Conditions:
Long QT syndrome (LQTS). Identifiers: MedGen C0023976, MeSH D008133, MONDO:0002442. Disease mechanism: loss of function. Inheritance: Various modes of inheritance.

Submission:

Labcorp Genetics (formerly Invitae), Labcorp
Classification: Uncertain significance for Long QT syndrome. Last evaluated: 2021-12-11. Review status: criteria provided, single submitter. Criteria: Invitae Variant Classification Sherloc (09022015). Collection method: clinical testing. Allele origin: germline.
Comment: This sequence change replaces leucine, which is neutral and non-polar, with arginine, which is basic and polar, at codon 1871 of the CACNA1C protein (p.Leu1871Arg). This variant is not present in population databases (gnomAD no frequency). This variant has not been reported in the literature in individuals affected with CACNA1C-related conditions. Algorithms developed to predict the effect of missense changes on protein structure and function (SIFT, PolyPhen-2, Align-GVGD) all suggest that this variant is likely to be tolerated. In summary, the available evidence is currently insufficient to determine the role of this variant in disease. Therefore, it has been classified as a Variant of Uncertain Significance.